The following is an entry in ClinVar:

ClinVar aggregate classification (germline): Uncertain significance (1 of 4 stars; one submission).

Conditions:
Chédiak-Higashi syndrome (CHS). Also called: Chediak-Higashi Syndrome. Identifiers: Orphanet 167, MedGen C0007965, MONDO:0008963, OMIM 214500.

gnomAD v4.1: 3 of 1,614,170 alleles (0.00019%); highest among the groups gnomAD compares: Non-Finnish European, 0.00025%; no homozygotes.

Submission:

Labcorp Genetics (formerly Invitae), Labcorp
Classification: Uncertain significance for Chédiak-Higashi syndrome. Last evaluated: 2025-03-10. Review status: criteria provided, single submitter. Criteria: Invitae Variant Classification Sherloc (09022015). Collection method: clinical testing. Allele origin: germline.
Comment: This sequence change replaces leucine, which is neutral and non-polar, with proline, which is neutral and non-polar, at codon 2156 of the LYST protein (p.Leu2156Pro). This variant is present in population databases (no rsID available, gnomAD 0.0009%). This variant has not been reported in the literature in individuals affected with LYST-related conditions. Invitae Evidence Modeling of protein sequence and biophysical properties (such as structural, functional, and spatial information, amino acid conservation, physicochemical variation, residue mobility, and thermodynamic stability) indicates that this missense variant is not expected to disrupt LYST protein function with a negative predictive value of 80%. In summary, the available evidence is currently insufficient to determine the role of this variant in disease. Therefore, it has been classified as a Variant of Uncertain Significance.

NM_000081.4(LYST):c.6467T>C (p.Leu2156Pro)

Gene: LYST (lysosomal trafficking regulator; minus strand). Cytogenetic location: 1q42.3.
Variant type: single nucleotide variant.
Coding change: c.6467T>C on transcript NM_000081.4 (MANE Select); coding-DNA position 6467, T replaced by C.
Protein change: p.Leu2156Pro; replaces leucine 2156 with proline.
Molecular consequence: missense variant.
Genome position (GRCh38, 1-based): chr1:235,759,386, A>G on the plus strand (T>C on the coding strand, the complement: LYST is on the minus strand). VCF-style: chr1-235759386-A-G. GRCh37 (hg19) VCF-style: chr1-235922686-A-G.
Other names: c.6467T>C, p.Leu2156Pro (NM_001301365.1); short protein forms L2156P.
Identifiers: ClinVar variation 4753005 (VCV004753005.1).